The following is an entry in ClinVar:

ClinVar aggregate classification (germline): Uncertain significance. Review status: criteria provided, multiple submitters, no conflicts (2 of 4 stars). 2 submissions from 2 submitters: Uncertain significance (2). Last evaluated 2025-06-28.

Allele frequency attached by ClinVar (database versions not stated): gnomAD exomes 0.00001; ExAC 0.00003; gnomAD 0.00005; TOPMed 0.00008.
gnomAD v4.1: 22 of 1,613,994 alleles (0.0014%); highest among the groups gnomAD compares: African/African-American, 0.013%; no homozygotes.

Submissions (2):

Labcorp Genetics (formerly Invitae), Labcorp
Classification: Uncertain significance. Last evaluated: 2025-06-28. Review status: criteria provided, single submitter. Criteria: Invitae Variant Classification Sherloc (09022015). Collection method: clinical testing. Allele origin: germline.
Comment: This sequence change replaces glycine, which is neutral and non-polar, with arginine, which is basic and polar, at codon 221 of the CRAT protein (p.Gly221Arg). This variant is present in population databases (rs368593020, gnomAD 0.005%). This variant has not been reported in the literature in individuals affected with CRAT-related conditions. ClinVar contains an entry for this variant (Variation ID: 2398944). Invitae Evidence Modeling of protein sequence and biophysical properties (such as structural, functional, and spatial information, amino acid conservation, physicochemical variation, residue mobility, and thermodynamic stability) indicates that this missense variant is not expected to disrupt CRAT protein function with a negative predictive value of 80%. In summary, the available evidence is currently insufficient to determine the role of this variant in disease. Therefore, it has been classified as a Variant of Uncertain Significance.

Ambry Genetics
Classification: Uncertain significance. Last evaluated: 2021-06-22. Review status: criteria provided, single submitter. Criteria: Ambry Variant Classification Scheme 2023. Collection method: clinical testing. Allele origin: germline.

NM_000755.5(CRAT):c.661G>A (p.Gly221Arg)

Gene: CRAT (carnitine O-acetyltransferase; minus strand). Cytogenetic location: 9q34.11.
Variant type: single nucleotide variant.
Coding change: c.661G>A on transcript NM_000755.5 (MANE Select); coding-DNA position 661, G replaced by A.
Protein change: p.Gly221Arg; replaces glycine 221 with arginine.
Molecular consequence: missense variant.
Genome position (GRCh38, 1-based): chr9:129,102,027, C>T on the plus strand (G>A on the coding strand, the complement: CRAT is on the minus strand). VCF-style: chr9-129102027-C-T. GRCh37 (hg19) VCF-style: chr9-131864306-C-T.
Other names: c.598G>A, p.Gly200Arg (NM_001257363.3, NM_001346548.2, NM_004003.4); c.664G>A, p.Gly222Arg (NM_001346546.2); c.661G>A, p.Gly221Arg (NM_001346547.2); c.541G>A, p.Gly181Arg (NM_001346549.2); short protein forms G181R, G221R, G200R, G222R.
Identifiers: ClinVar variation 2398944 (VCV002398944.3), dbSNP rs368593020, ClinGen allele CA5275664.
Genomic context (GRCh38, chr9:129,102,027, plus strand): 5'-GGGATGAGTTCCAGATCTTCTCCAGCTGCACAAAGATCTGATCCGCAGTGAGGGGTGTCC[C>T]GTCACTGTGGTACACATCCAGCTCAAAAAACTGTTGGGGCACAGGCAGGTAAGAGGAGGG-3'
Protein context (NP_000746.3, residues 211-231): FFELDVYHSD[Gly221Arg]TPLTADQIFV